The following is an entry in ClinVar:

NM_001378418.1(TCF20):c.5221A>G (p.Arg1741Gly)

Gene: TCF20 (transcription factor 20; minus strand). Cytogenetic location: 22q13.2.
Variant type: single nucleotide variant.
Coding change: c.5221A>G on transcript NM_001378418.1 (MANE Select); coding-DNA position 5221, A replaced by G.
Protein change: p.Arg1741Gly; replaces arginine 1741 with glycine.
Molecular consequence: missense variant.
Genome position (GRCh38, 1-based): chr22:42,210,085, T>C on the plus strand (A>G on the coding strand, the complement: TCF20 is on the minus strand). VCF-style: chr22-42210085-T-C. GRCh37 (hg19) VCF-style: chr22-42606091-T-C.
Other names: c.5221A>G, p.Arg1741Gly (NM_005650.4, NM_181492.3); short protein forms R1741G.
Identifiers: ClinVar variation 4752562 (VCV004752562.1).

ClinVar aggregate classification (germline): Uncertain significance (1 of 4 stars; one submission).

gnomAD v4.1: 5 of 1,613,938 alleles (0.00031%); highest among the groups gnomAD compares: Admixed American, 0.0083%; no homozygotes.

Submission:

Labcorp Genetics (formerly Invitae), Labcorp
Classification: Uncertain significance. Last evaluated: 2025-09-14. Review status: criteria provided, single submitter. Criteria: Invitae Variant Classification Sherloc (09022015). Collection method: clinical testing. Allele origin: germline.
Comment: This sequence change replaces arginine, which is basic and polar, with glycine, which is neutral and non-polar, at codon 1741 of the TCF20 protein (p.Arg1741Gly). This variant is present in population databases (rs781485248, gnomAD 0.01%). This variant has not been reported in the literature in individuals affected with TCF20-related conditions. An algorithm developed to predict the effect of missense changes on protein structure and function (PolyPhen-2) suggests that this variant is likely to be disruptive. In summary, the available evidence is currently insufficient to determine the role of this variant in disease. Therefore, it has been classified as a Variant of Uncertain Significance.